The following is an entry in ClinVar:

NM_005343.4(HRAS):c.*6-2A>C

Genes: HRAS (HRas proto-oncogene, GTPase; minus strand), LRRC56 (leucine rich repeat containing 56; plus strand). Cytogenetic location: 11p15.5.
Variant type: single nucleotide variant.
Coding change: c.*6-2A>C on transcript NM_005343.4 (MANE Select); the canonical splice acceptor site of the intron before 6 bases downstream of the stop codon, A replaced by C.
Molecular consequence: splice acceptor variant. On other transcripts: 3 prime UTR variant (2).
Genome position (GRCh38, 1-based): chr11:532,524, T>G on the plus strand (A>C on the coding strand, the complement: HRAS is on the minus strand). VCF-style: chr11-532524-T-G. GRCh37 (hg19) VCF-style: chr11-532524-T-G.
Other names: c.*112A>C (NM_001130442.3); c.*251A>C (NM_176795.5); c.*6-2A>C (NM_001318054.2).
Identifiers: ClinVar variation 40450 (VCV000040450.1), dbSNP rs730880459, ClinGen allele CA296054.

ClinVar aggregate classification (germline): Likely benign (1 of 4 stars; one submission).

Allele frequency attached by ClinVar (database versions not stated): gnomAD exomes below 0.00001; gnomAD 0.00001 and 0.00002; TOPMed 0.00001; 1000 Genomes Project 30x 0.00016.
gnomAD v4.1: 9 of 1,425,532 alleles (0.00063%); highest among the groups gnomAD compares: Admixed American, 0.018%; no homozygotes.

Submission:

GeneDx
Classification: Likely benign. Last evaluated: 2012-02-24. Review status: criteria provided, single submitter. Criteria: GeneDx Variant Classification (06012015). Collection method: clinical testing. Allele origin: germline. Affected: yes.
Comment: This variant is considered likely benign or benign based on one or more of the following criteria: it is a conservative change, it occurs at a poorly conserved position in the protein, it is predicted to be benign by multiple in silico algorithms, and/or has population frequency not consistent with disease.